The following is an entry in ClinVar:

ClinVar aggregate classification (germline): Uncertain significance (1 of 4 stars; one submission).

gnomAD v4.1: 1 of 1,614,162 alleles (0.000062%); highest among the groups gnomAD compares: East Asian, 0.0022%; no homozygotes.

Submission:

GeneDx
Classification: Uncertain significance. Last evaluated: 2024-07-02. Review status: criteria provided, single submitter. Criteria: GeneDx Variant Classification Process June 2021. Collection method: clinical testing. Allele origin: germline. Affected: yes.
Comment: Not observed at significant frequency in large population cohorts (gnomAD); In silico analysis indicates that this missense variant does not alter protein structure/function; Has not been previously published as pathogenic or benign to our knowledge

NM_022455.5(NSD1):c.337T>G (p.Cys113Gly)

Gene: NSD1 (nuclear receptor binding SET domain protein 1; plus strand). Cytogenetic location: 5q35.3.
Variant type: single nucleotide variant.
Coding change: c.337T>G on transcript NM_022455.5 (MANE Select); coding-DNA position 337, T replaced by G.
Protein change: p.Cys113Gly; replaces cysteine 113 with glycine.
Molecular consequence: missense variant. On other transcripts: intron variant (7).
Genome position (GRCh38, 1-based): chr5:177,135,440, T>G. VCF-style: chr5-177135440-T-G. GRCh37 (hg19) VCF-style: chr5-176562441-T-G.
Other names: c.337T>G, p.Cys113Gly (NM_001409301.1, NM_001409302.1, NM_001409303.1 and 1 more transcripts); c.-37+240T>G (NM_001409305.1, NM_001409306.1, NM_001409308.1 and 4 more transcripts); short protein forms C113G.
Identifiers: ClinVar variation 3393833 (VCV003393833.1).